The following is an entry in ClinVar:

ClinVar aggregate classification (germline): Uncertain significance (1 of 4 stars; one submission).

Conditions:
Hereditary insensitivity to pain with anhidrosis (CIPA). Also called: NEUROPATHY, CONGENITAL SENSORY, WITH ANHIDROSIS; INSENSITIVITY TO PAIN, CONGENITAL, WITH ANHIDROSIS; FAMILIAL DYSAUTONOMIA, TYPE II; HSAN Type IV; NTRK1 Congenital Insensitivity to Pain with Anhidrosis; hereditary sensory and autonomic neuropathy type 4. Identifiers: Orphanet 642, MedGen C0020074, MONDO:0009746, OMIM 256800.

Allele frequency attached by ClinVar (database versions not stated): gnomAD exomes below 0.00001 and 0.00001.
gnomAD v4.1: 1 of 1,584,098 alleles (0.000063%); no homozygotes.

Submission:

Labcorp Genetics (formerly Invitae), Labcorp
Classification: Uncertain significance for Hereditary insensitivity to pain with anhidrosis. Last evaluated: 2021-09-01. Review status: criteria provided, single submitter. Criteria: Invitae Variant Classification Sherloc (09022015). Collection method: clinical testing. Allele origin: germline.
Comment: This sequence change replaces glutamic acid with glycine at codon 739 of the NTRK1 protein (p.Glu739Gly). The glutamic acid residue is highly conserved and there is a moderate physicochemical difference between glutamic acid and glycine. This variant is not present in population databases (ExAC no frequency). This variant has not been reported in the literature in individuals affected with NTRK1-related conditions. Algorithms developed to predict the effect of missense changes on protein structure and function (SIFT, PolyPhen-2, Align-GVGD) all suggest that this variant is likely to be disruptive. In summary, the available evidence is currently insufficient to determine the role of this variant in disease. Therefore, it has been classified as a Variant of Uncertain Significance.

NM_002529.4(NTRK1):c.2234A>G (p.Glu745Gly)

Gene: NTRK1 (neurotrophic receptor tyrosine kinase 1; plus strand). Cytogenetic location: 1q23.1.
Variant type: single nucleotide variant.
Coding change: c.2234A>G on transcript NM_002529.4 (MANE Select); coding-DNA position 2234, A replaced by G.
Protein change: p.Glu745Gly; replaces glutamic acid 745 with glycine.
Molecular consequence: missense variant.
Genome position (GRCh38, 1-based): chr1:156,881,485, A>G. VCF-style: chr1-156881485-A-G. GRCh37 (hg19) VCF-style: chr1-156851277-A-G.
Other names: c.2126A>G, p.Glu709Gly (NM_001007792.1); c.2216A>G, p.Glu739Gly (NM_001012331.2); short protein forms E709G, E739G, E745G.
Identifiers: ClinVar variation 1026216 (VCV001026216.6), dbSNP rs1444452580, ClinGen allele CA342941416.